The following is an entry in ClinVar:

NM_000285.4(PEPD):c.456G>A (p.Thr152=)

Gene: PEPD (peptidase D; minus strand). Cytogenetic location: 19q13.11.
Variant type: single nucleotide variant.
Coding change: c.456G>A on transcript NM_000285.4 (MANE Select); coding-DNA position 456, G replaced by A.
Protein change: p.Thr152=; no amino-acid change (threonine 152 retained).
Molecular consequence: synonymous variant.
Genome position (GRCh38, 1-based): chr19:33,490,043, C>T on the plus strand (G>A on the coding strand, the complement: PEPD is on the minus strand). VCF-style: chr19-33490043-C-T. GRCh37 (hg19) VCF-style: chr19-33980949-C-T.
Other names: c.456G>A, p.Thr152= (NM_001166056.2); c.264G>A, p.Thr88= (NM_001166057.2).
Identifiers: ClinVar variation 328817 (VCV000328817.17), dbSNP rs200011486, ClinGen allele CA9364312.

ClinVar aggregate classification (germline): Benign/Likely benign. Review status: criteria provided, multiple submitters, no conflicts (2 of 4 stars). 6 submissions from 6 submitters: Benign (1); Likely benign (5). Last evaluated 2026-09-01.

Conditions:
Prolidase deficiency. Identifiers: Orphanet 742, MedGen C0268532, MONDO:0008221, OMIM 170100.
PEPD-related disorder. Also called: PEPD-related condition.

Allele frequency attached by ClinVar (database versions not stated): 1000 Genomes Project 30x 0.00078; ESP Exome Variant Server 0.00095; 1000 Genomes Project 0.00100; gnomAD 0.00124; TOPMed 0.00144.
gnomAD v4.1: 368 of 1,612,084 alleles (0.023%); highest among the groups gnomAD compares: African/African-American, 0.41%; 1 homozygote.

Submissions (6):

CeGaT Center for Human Genetics Tuebingen
Classification: Likely benign. Last evaluated: 2026-09-01. Review status: criteria provided, single submitter. Criteria: CeGaT Center For Human Genetics Tuebingen Variant Classification Criteria Version 2. Collection method: clinical testing. Allele origin: germline. Affected: yes. Observed: 1 variant allele.
Comment: PEPD: BP4, BP7

PreventionGenetics, part of Exact Sciences
Classification: Likely benign for PEPD-related condition. Last evaluated: 2026-02-20. Review status: criteria provided, single submitter. Criteria: ACMG Guidelines, 2015. Collection method: clinical testing. Allele origin: germline.
Comment: This variant is classified as likely benign based on ACMG/AMP sequence variant interpretation guidelines (Richards et al. 2015 PMID: 25741868, with internal and published modifications).

Labcorp Genetics (formerly Invitae), Labcorp
Classification: Benign. Last evaluated: 2026-01-21. Review status: criteria provided, single submitter. Criteria: Invitae Variant Classification Sherloc (09022015). Collection method: clinical testing. Allele origin: germline.

Blueprint Genetics
Classification: Likely benign. Last evaluated: 2024-05-28. Review status: criteria provided, single submitter. Criteria: ACMG Guidelines, 2015. Collection method: clinical testing. Allele origin: germline.

Illumina Laboratory Services, Illumina
Classification: Likely benign for Prolidase deficiency. Last evaluated: 2018-01-12. Review status: criteria provided, single submitter. Criteria: ICSL Variant Classification Criteria 13 December 2019. Collection method: clinical testing. Allele origin: germline.
Comment: This variant was observed in the ICSL laboratory as part of a predisposition screen in an ostensibly healthy population. It had not been previously curated by ICSL or reported in the Human Gene Mutation Database (HGMD: prior to June 1st, 2018), and was therefore a candidate for classification through an automated scoring system. Utilizing variant allele frequency, disease prevalence and penetrance estimates, and inheritance mode, an automated score was calculated to assess if this variant is too frequent to cause the disease. Based on the score and internal cut-off values, a variant classified as likely benign is not then subjected to further curation. The score for this variant resulted in a classification of likely benign for this disease.

Breakthrough Genomics
Classification: Likely benign. Review status: criteria provided, single submitter. Criteria: ACMG Guidelines, 2015. Collection method: not provided. Allele origin: germline. Inheritance: Autosomal recessive inheritance. Affected: yes.